The following is an entry in ClinVar:

NM_000455.5(STK11):c.*202C>G

Gene: STK11 (serine/threonine kinase 11; plus strand). Cytogenetic location: 19p13.3.
Variant type: single nucleotide variant.
Coding change: c.*202C>G on transcript NM_000455.5 (MANE Select); 202 bases downstream of the stop codon, C replaced by G.
Molecular consequence: 3 prime UTR variant.
Genome position (GRCh38, 1-based): chr19:1,227,778, C>G. VCF-style: chr19-1227778-C-G. GRCh37 (hg19) VCF-style: chr19-1227777-C-G.
Identifiers: ClinVar variation 328234 (VCV000328234.9), dbSNP rs886054220, ClinGen allele CA10648300.
Genomic context (GRCh38, chr19:1,227,778, plus strand): 5'-GCCCTGCAGGGCCGGGCAGGGGGACAGCAGGGACCGGGCGCAGCCCTCCCCCCTCGGCCG[C>G]CCGGCAGTGCACGCGGCTTGTTGACTTCGCAGCCCCGGGCGGAGCCTTCCCGGGCGGGCG-3'

ClinVar aggregate classification (germline): Uncertain significance. Review status: criteria provided, multiple submitters, no conflicts (2 of 4 stars). 2 submissions from 2 submitters: Uncertain significance (2). Last evaluated 2026-02-01.

Conditions:
Peutz-Jeghers syndrome (PJS). Also called: POLYPOSIS, HAMARTOMATOUS INTESTINAL; POLYPS-AND-SPOTS SYNDROME; Peutz-Jeghers polyposis; Periorificial lentiginosis syndrome. Identifiers: Orphanet 2869, MedGen C0031269, MeSH D010580, MONDO:0008280, OMIM 175200.

Allele frequency attached by ClinVar (database versions not stated): gnomAD exomes 0.00029; TOPMed 0.00029; gnomAD 0.00033 and 0.00034.
gnomAD v4.1: 313 of 1,074,180 alleles (0.029%); highest among the groups gnomAD compares: Non-Finnish European, 0.034%; no homozygotes.

Submissions (2):

CeGaT Center for Human Genetics Tuebingen
Classification: Uncertain significance. Last evaluated: 2026-02-01. Review status: criteria provided, single submitter. Criteria: CeGaT Center For Human Genetics Tuebingen Variant Classification Criteria Version 2. Collection method: clinical testing. Allele origin: germline. Affected: yes. Observed: 1 variant allele.
Comment: STK11: PM2

Illumina Laboratory Services, Illumina
Classification: Uncertain significance for Peutz-Jeghers syndrome. Last evaluated: 2018-01-12. Review status: criteria provided, single submitter. Criteria: ICSL Variant Classification Criteria 13 December 2019. Collection method: clinical testing. Allele origin: germline.